The following is an entry in ClinVar:

ClinVar aggregate classification (germline): Uncertain significance (1 of 4 stars; one submission).

Conditions:
Androgen resistance syndrome (AIS). Also called: Androgen insensitivity, complete; Androgen insensitivity syndrome due to coactivator deficiency; Androgen insensitivity syndrome; Androgen insensitivity; ANDROGEN RECEPTOR DEFICIENCY; DIHYDROTESTOSTERONE RECEPTOR DEFICIENCY. Identifiers: Orphanet 754, Orphanet 99429, MedGen C0039585, MONDO:0019154, OMIM 300068. Disease mechanism: loss of function.
Kennedy disease (SMAX1). Also called: Spinal and Bulbar Muscular Atrophy; SPINAL AND BULBAR MUSCULAR ATROPHY, X-LINKED 1; KENNEDY SPINAL AND BULBAR MUSCULAR ATROPHY. Identifiers: Orphanet 481, MedGen C1839259, MONDO:0010735, OMIM 313200.

Submission:

Labcorp Genetics (formerly Invitae), Labcorp
Classification: Uncertain significance for Kennedy disease; Androgen resistance syndrome. Last evaluated: 2024-06-05. Review status: criteria provided, single submitter. Criteria: Invitae Variant Classification Sherloc (09022015). Collection method: clinical testing. Allele origin: germline.
Comment: This sequence change replaces histidine, which is basic and polar, with asparagine, which is neutral and polar, at codon 690 of the AR protein (p.His690Asn). This variant is not present in population databases (gnomAD no frequency). This variant has not been reported in the literature in individuals affected with AR-related conditions. ClinVar contains an entry for this variant (Variation ID: 658797). Advanced modeling of protein sequence and biophysical properties (such as structural, functional, and spatial information, amino acid conservation, physicochemical variation, residue mobility, and thermodynamic stability) has been performed at Invitae for this missense variant, however the output from this modeling did not meet the statistical confidence thresholds required to predict the impact of this variant on AR protein function. This variant disrupts the p.His690 amino acid residue in AR. Other variant(s) that disrupt this residue have been determined to be pathogenic (PMID: 12213902). This suggests that this residue is clinically significant, and that variants that disrupt this residue are likely to be disease-causing. In summary, the available evidence is currently insufficient to determine the role of this variant in disease. Therefore, it has been classified as a Variant of Uncertain Significance.

Literature cited by the submitters: PubMed 12213902.

NM_000044.6(AR):c.2068C>A (p.His690Asn)

Gene: AR (androgen receptor; plus strand). Cytogenetic location: Xq12.
Variant type: single nucleotide variant.
Coding change: c.2068C>A on transcript NM_000044.6 (MANE Select); coding-DNA position 2068, C replaced by A.
Protein change: p.His690Asn; replaces histidine 690 with asparagine.
Molecular consequence: missense variant.
Genome position (GRCh38, 1-based): chrX:67,711,584, C>A. VCF-style: chrX-67711584-C-A. GRCh37 (hg19) VCF-style: chrX-66931426-C-A.
Other names: c.472C>A, p.His158Asn (NM_001011645.3); short protein forms H158N, H690N.
Identifiers: ClinVar variation 658797 (VCV000658797.8), dbSNP rs1602272594, ClinGen allele CA413423339.